The following is an entry in ClinVar:

ClinVar aggregate classification (germline): Uncertain significance (1 of 4 stars; one submission).

Conditions:
Cardiovascular phenotype. Identifiers: MedGen CN230736.

Allele frequency attached by ClinVar (database versions not stated): TOPMed below 0.00001; gnomAD 0.00001; gnomAD exomes 0.00001; ExAC 0.00002.

Submission:

Ambry Genetics
Classification: Uncertain significance for Cardiovascular phenotype. Last evaluated: 2021-08-05. Review status: criteria provided, single submitter. Criteria: Ambry Variant Classification Scheme 2023. Collection method: clinical testing. Allele origin: germline.
Comment: The p.I151T variant (also known as c.452T>C), located in coding exon 1 of the DOLK gene, results from a T to C substitution at nucleotide position 452. The isoleucine at codon 151 is replaced by threonine, an amino acid with similar properties. This amino acid position is conserved. In addition, this alteration is predicted to be deleterious by in silico analysis. Since supporting evidence is limited at this time, the clinical significance of this alteration remains unclear.

NM_014908.4(DOLK):c.452T>C (p.Ile151Thr)

Gene: DOLK (dolichol kinase; minus strand). Cytogenetic location: 9q34.11.
Variant type: single nucleotide variant.
Coding change: c.452T>C on transcript NM_014908.4 (MANE Select); coding-DNA position 452, T replaced by C.
Protein change: p.Ile151Thr; replaces isoleucine 151 with threonine.
Molecular consequence: missense variant.
Genome position (GRCh38, 1-based): chr9:128,946,852, A>G on the plus strand (T>C on the coding strand, the complement: DOLK is on the minus strand). VCF-style: chr9-128946852-A-G. GRCh37 (hg19) VCF-style: chr9-131709131-A-G.
Other names: short protein forms I151T.
Identifiers: ClinVar variation 1741273 (VCV001741273.2), dbSNP rs757842464, ClinGen allele CA5271741.
Genomic context (GRCh38, chr9:128,946,852, plus strand): 5'-AGGACTTCCAGGACTTCGATCACCTCCCCCACGCTCAACGAGTGCTTCATGATATAAATG[A>G]TAACACCTCCAGCCAAGCCCAAGATGACACAAGTGTTGGTTGGCACTGGGCGAGTGATGC-3'
Protein context (NP_055723.1, residues 141-161): CVILGLAGGV[Ile151Thr]IYIMKHSLSV